The following is an entry in ClinVar:

NM_000260.4(MYO7A):c.4195G>C (p.Asp1399His)

Gene: MYO7A (myosin VIIA; plus strand). Cytogenetic location: 11q13.5.
Variant type: single nucleotide variant.
Coding change: c.4195G>C on transcript NM_000260.4 (MANE Select); coding-DNA position 4195, G replaced by C.
Protein change: p.Asp1399His; replaces aspartic acid 1399 with histidine.
Molecular consequence: missense variant.
Genome position (GRCh38, 1-based): chr11:77,194,396, G>C. VCF-style: chr11-77194396-G-C. GRCh37 (hg19) VCF-style: chr11-76905441-G-C.
Other names: c.4195G>C, p.Asp1399His (NM_001127180.2); c.4162G>C, p.Asp1388His (NM_001369365.1); short protein forms D1399H, D1388H.
Identifiers: ClinVar variation 178486 (VCV000178486.20), dbSNP rs373080197, ClinGen allele CA182420.

ClinVar aggregate classification (germline): Uncertain significance. Review status: criteria provided, multiple submitters, no conflicts (2 of 4 stars). 10 submissions from 10 submitters: Uncertain significance (7). 3 of the submissions do not count toward it. Last evaluated 2026-03-02.

Conditions:
MYO7A-related disorder. Also called: MYO7A-related disorders.
Inborn genetic diseases. Identifiers: MedGen C0950123, MeSH D030342.
Autosomal dominant nonsyndromic hearing loss 11. Identifiers: Orphanet 90635, MedGen C1832475, MONDO:0011032, OMIM 601317.
Usher syndrome type 1 (USH1). Also called: RETINITIS PIGMENTOSA AND CONGENITAL DEAFNESS. Identifiers: Orphanet 231169, Orphanet 886, MedGen C1568247, MONDO:0010168, OMIM 276900.
Autosomal recessive nonsyndromic hearing loss 2. Also called: DEAFNESS, AUTOSOMAL RECESSIVE 2; NEUROSENSORY NONSYNDROMIC RECESSIVE DEAFNESS 2. Identifiers: Orphanet 90636, MedGen C1838701, MONDO:0010807, OMIM 600060.
Usher syndrome type 1B (USH1B). Also called: Usher syndrome type IB. Identifiers: MedGen C1848638, MONDO:0700087.

Allele frequency attached by ClinVar (database versions not stated): ExAC 0.00005; gnomAD exomes 0.00005 and 0.00009; TOPMed 0.00005; ESP Exome Variant Server 0.00008; gnomAD 0.00008 and 0.00009.
gnomAD v4.1: 140 of 1,612,776 alleles (0.0087%); highest among the groups gnomAD compares: Non-Finnish European, 0.011%; no homozygotes.

Submissions (10):

Ambry Genetics
Classification: Uncertain significance for Inborn genetic diseases. Last evaluated: 2026-03-02. Review status: criteria provided, single submitter. Criteria: Ambry Variant Classification Scheme 2023. Collection method: clinical testing. Allele origin: germline.

PreventionGenetics, part of Exact Sciences
Classification: Uncertain significance for MYO7A-related condition. Last evaluated: 2026-02-13. Review status: criteria provided, single submitter. Criteria: ACMG Guidelines, 2015. Collection method: clinical testing. Allele origin: germline.
Comment: The MYO7A c.4195G>C variant is predicted to result in the amino acid substitution p.Asp1399His. To our knowledge, this variant has not been reported in the literature. This variant is reported in 0.016% of alleles in individuals of European (Finnish) descent in gnomAD. At this time, the clinical significance of this variant is uncertain due to the absence of conclusive functional and genetic evidence.

Dasa
Classification: Uncertain significance. Last evaluated: 2026-01-14. Review status: criteria provided, single submitter. Criteria: DASA Assertion Criteria. Collection method: clinical testing. Allele origin: germline.
Comment: NM_000260.4(MYO7A):c.4195G>C (p.Asp1399His) is a missense variant that results in the substitution of aspartic acid with histidine. This variant is rare in population databases. Computational prediction algorithms are consistent with a deleterious effect. The currently available literature and clinical evidence are not sufficient to establish a definitive association between this variant and the reported condition. Therefore, this variant is classified as a variant of uncertain significance.

Blueprint Genetics
Classification: Uncertain significance. Last evaluated: 2024-08-26. Review status: criteria provided, single submitter. Criteria: ACMG Guidelines, 2015. Collection method: clinical testing. Allele origin: germline.

Labcorp Genetics (formerly Invitae), Labcorp
Classification: Uncertain significance. Last evaluated: 2024-04-08. Review status: criteria provided, single submitter. Criteria: Invitae Variant Classification Sherloc (09022015). Collection method: clinical testing. Allele origin: germline.
Comment: This sequence change replaces aspartic acid, which is acidic and polar, with histidine, which is basic and polar, at codon 1399 of the MYO7A protein (p.Asp1399His). This variant is present in population databases (rs373080197, gnomAD 0.02%). This variant has not been reported in the literature in individuals affected with MYO7A-related conditions. ClinVar contains an entry for this variant (Variation ID: 178486). Advanced modeling of protein sequence and biophysical properties (such as structural, functional, and spatial information, amino acid conservation, physicochemical variation, residue mobility, and thermodynamic stability) performed at Invitae indicates that this missense variant is not expected to disrupt MYO7A protein function with a negative predictive value of 95%. In summary, the available evidence is currently insufficient to determine the role of this variant in disease. Therefore, it has been classified as a Variant of Uncertain Significance.

Fulgent Genetics
Classification: Uncertain significance for Usher syndrome type 1; Autosomal recessive nonsyndromic hearing loss 2; Autosomal dominant nonsyndromic hearing loss 11. Last evaluated: 2018-10-31. Review status: criteria provided, single submitter. Criteria: ACMG Guidelines, 2015. Collection method: clinical testing. Allele origin: unknown.

Laboratory for Molecular Medicine, Mass General Brigham Personalized Medicine
Classification: Uncertain significance. Last evaluated: 2016-10-25. Review status: criteria provided, single submitter. Criteria: LMM Criteria. Collection method: clinical testing. Allele origin: germline. Observed: 2 variant alleles.
Comment: The p.Asp1399His variant in MYO7A has now been identified by our laboratory in t wo individuals with hearing loss, but a variant affecting the second copy of the MYO7A gene was not identified and one of them had an alternate genetic etiology to explain the hearing loss. This variant has been identified in 3/55542 Europe an chromosomes by the Exome Aggregation Consortium (ExAC; dbSNP rs373080197). Computational prediction tools and conservation an alysis suggest that the p.Asp1399His variant may impact the protein, though this information is not predictive enough to determine pathogenicity. In summary, th e clinical significance of the p.Asp1399His variant is uncertain.

Natera, Inc.
Classification: Uncertain significance for Usher syndrome type 1B. Last evaluated: 2020-09-16. Review status: no assertion criteria provided. Collection method: clinical testing. Allele origin: germline. Not counted in ClinVar's aggregate classification.

Clinical Genetics DNA and cytogenetics Diagnostics Lab, Erasmus MC, Erasmus Medical Center
Classification: Uncertain significance. Review status: no assertion criteria provided. Collection method: clinical testing. Allele origin: germline. Affected: yes. Study: VKGL Data-share Consensus. Not counted in ClinVar's aggregate classification.

Joint Genome Diagnostic Labs from Nijmegen and Maastricht, Radboudumc and MUMC+
Classification: Uncertain significance. Review status: no assertion criteria provided. Collection method: clinical testing. Allele origin: germline. Affected: yes. Study: VKGL Data-share Consensus. Not counted in ClinVar's aggregate classification.